The following is an entry in ClinVar:

ClinVar aggregate classification (germline): Uncertain significance. Review status: criteria provided, multiple submitters, no conflicts (2 of 4 stars). 3 submissions from 3 submitters: Uncertain significance (3). Last evaluated 2023-06-01.

Conditions:
Hereditary cancer-predisposing syndrome. Also called: Hereditary neoplastic syndrome; Neoplastic Syndromes, Hereditary; Tumor predisposition; Hereditary Cancer Syndrome. Identifiers: Orphanet 140162, MedGen C0027672, MeSH D009386, MONDO:0015356.

Allele frequency attached by ClinVar (database versions not stated): gnomAD exomes below 0.00001.
gnomAD v4.1: 2 of 1,613,306 alleles (0.00012%); highest among the groups gnomAD compares: Middle Eastern, 0.033%; no homozygotes.

Submissions (3):

CeGaT Center for Human Genetics Tuebingen
Classification: Uncertain significance. Last evaluated: 2023-06-01. Review status: criteria provided, single submitter. Criteria: CeGaT Center For Human Genetics Tuebingen Variant Classification Criteria Version 2. Collection method: clinical testing. Allele origin: germline. Affected: yes. Observed: 1 variant allele.
Comment: RAD50: PM2, PM3:Supporting, BP4

Ambry Genetics
Classification: Uncertain significance for Hereditary cancer-predisposing syndrome. Last evaluated: 2022-03-24. Review status: criteria provided, single submitter. Criteria: Ambry Variant Classification Scheme 2023. Collection method: clinical testing. Allele origin: germline.
Comment: The p.I240T variant (also known as c.719T>C), located in coding exon 5 of the RAD50 gene, results from a T to C substitution at nucleotide position 719. The isoleucine at codon 240 is replaced by threonine, an amino acid with similar properties. This amino acid position is conserved. In addition, this alteration is predicted to be tolerated by in silico analysis. Since supporting evidence is limited at this time, the clinical significance of this alteration remains unclear.

Labcorp Genetics (formerly Invitae), Labcorp
Classification: Uncertain significance for Hereditary cancer-predisposing syndrome. Last evaluated: 2022-02-09. Review status: criteria provided, single submitter. Criteria: Invitae Variant Classification Sherloc (09022015). Collection method: clinical testing. Allele origin: germline.
Comment: In summary, the available evidence is currently insufficient to determine the role of this variant in disease. Therefore, it has been classified as a Variant of Uncertain Significance. This sequence change replaces isoleucine, which is neutral and non-polar, with threonine, which is neutral and polar, at codon 240 of the RAD50 protein (p.Ile240Thr). This variant is not present in population databases (gnomAD no frequency). This variant has not been reported in the literature in individuals affected with RAD50-related conditions. Algorithms developed to predict the effect of missense changes on protein structure and function (SIFT, PolyPhen-2, Align-GVGD) all suggest that this variant is likely to be tolerated.

NM_005732.4(RAD50):c.719T>C (p.Ile240Thr)

Gene: RAD50 (RAD50 double strand break repair protein; plus strand). Cytogenetic location: 5q31.1.
Variant type: single nucleotide variant.
Coding change: c.719T>C on transcript NM_005732.4 (MANE Select); coding-DNA position 719, T replaced by C.
Protein change: p.Ile240Thr; replaces isoleucine 240 with threonine.
Molecular consequence: missense variant.
Genome position (GRCh38, 1-based): chr5:132,580,029, T>C. VCF-style: chr5-132580029-T-C. GRCh37 (hg19) VCF-style: chr5-131915721-T-C.
Other names: short protein forms I240T.
Identifiers: ClinVar variation 1757632 (VCV001757632.33), dbSNP rs2479617742, ClinGen allele CA360936983.